The following is an entry in ClinVar:

ClinVar aggregate classification (germline): Pathogenic/Likely pathogenic. Review status: criteria provided, multiple submitters, no conflicts (2 of 4 stars). 9 submissions from 9 submitters: Pathogenic (3); Likely pathogenic (6). Last evaluated 2025-06-30.

Conditions:
Retinitis pigmentosa 39 (RP39). Identifiers: Orphanet 791, MedGen C3151138, MONDO:0013436, OMIM 613809.
Usher syndrome type 2A. Also called: USHER SYNDROME, TYPE IIA; RETINAL DISEASE IN USHER SYNDROME TYPE IIA, MODIFIER OF. Identifiers: Orphanet 231178, Orphanet 886, MedGen C1848634, MONDO:0010169, OMIM 276901.
Usher syndrome. Also called: Usher Syndromes; Usher's syndrome. Identifiers: MONDO:0019501, Orphanet 886, MedGen CN469326, MeSH D052245. Disease mechanism: loss of function.
USH2A-related disorder. Also called: USH2A-related condition; USH2A-related disorders. Identifiers: MedGen CN239332.

Allele frequency attached by ClinVar (database versions not stated): TOPMed 0.00001; gnomAD 0.00002; gnomAD exomes 0.00004; ExAC 0.00005.

Submissions (9):

GeneDx
Classification: Likely pathogenic. Last evaluated: 2025-06-30. Review status: criteria provided, single submitter. Criteria: GeneDx Variant Classification Process June 2021. Collection method: clinical testing. Allele origin: germline. Affected: yes.
Comment: In silico analysis supports that this missense variant has a deleterious effect on protein structure/function; This variant is associated with the following publications: (PMID: 28945494, 37558662, 37287646, 38347443)

3billion
Classification: Likely pathogenic for Retinitis pigmentosa 39. Last evaluated: 2025-06-18. Review status: criteria provided, single submitter. Criteria: ACMG Guidelines, 2015. Collection method: clinical testing. Allele origin: germline. Affected: yes.
Comment: The variant is observed at an extremely low frequency in the gnomAD v4.1.0 dataset (total allele frequency: <0.001%). Predicted Consequence/Location: Missense variant. The majority of the known disease-causing variants of this gene are variants expected to result in premature termination of the protein. In silico tool predictions suggest damaging effect of the variant on gene or gene product [3Cnet: 0.78 (> 0.75, sensitivity 0.96 and precision 0.92)]. The same nucleotide change resulting in the same amino acid change has been previously reported as pathogenic/likely pathogenic with strong evidence (ClinVar ID: VCV000855225 /PMID: 28945494 /3billion dataset). The variant has been reported to be in trans with a pathogenic variant as either compound heterozygous or homozygous in at least one similarly affected unrelated individual (PMID: 28945494). Therefore, this variant is classified as Likely pathogenic according to the recommendation of ACMG/AMP guideline.

Natera, Inc.
Classification: Likely pathogenic for Usher syndrome type 2A. Last evaluated: 2025-06-12. Review status: criteria provided, single submitter. Criteria: Natera Variant Classification Schema (03/2026). Collection method: clinical testing. Allele origin: germline.
Comment: The c.10820A>C variant in USH2A is a missense variant predicted to cause substitution of histidine to proline at amino acid 3607. This variant is rare in the general population with a frequency below the threshold expected for the associated phenotype(s). This variant has been observed in one or more individuals affected with the associated recessive disease, as either homozygous or compound heterozygous with a second variant (PMID: 28945494, 38347443). Additionally, this variant has been observed to segregate in affected family members (PMID: 28945494). Computational prediction algorithms indicate this variant is likely to affect gene or protein function. Given the available evidence, this variant is classified as Likely Pathogenic.

PreventionGenetics, part of Exact Sciences
Classification: Likely pathogenic for USH2A-related condition. Last evaluated: 2025-06-03. Review status: criteria provided, single submitter. Criteria: ACMG Guidelines, 2015. Collection method: clinical testing. Allele origin: germline.
Comment: The USH2A c.10820A>C variant is predicted to result in the amino acid substitution p.His3607Pro. This variant was reported in the compound heterozygous state along with a truncating variant in at least three individuals with retinal degeneration or retinitis pigmentosa from two different families (Villanueva et al. 2018. PubMed ID: 28945494; Table S1, Ordoñez-Labastida et al. 2023. PubMed ID: 37287646). This variant has been reported in the compound heterozygous state along with a missense variant of uncertain significance in three additional unrelated patients with Usher syndrome or retinitis pigmentosa (Gupta et al. 2023. PubMed ID: 37558662; Table S1, Ordoñez-Labastida et al. 2023. PubMed ID: 37287646). This variant was also described in a large cohort of individuals with retinal dystrophies (Villafuerte-de la Cruz et al. 2024. PubMed ID: 38347443). This variant is reported in 0.034% of alleles in individuals of Latino descent in gnomAD. This variant is interpreted as likely pathogenic.

Labcorp Genetics (formerly Invitae), Labcorp
Classification: Pathogenic. Last evaluated: 2025-05-28. Review status: criteria provided, single submitter. Criteria: Invitae Variant Classification Sherloc (09022015). Collection method: clinical testing. Allele origin: germline.
Comment: This sequence change replaces histidine, which is basic and polar, with proline, which is neutral and non-polar, at codon 3607 of the USH2A protein (p.His3607Pro). This variant is present in population databases (rs750321557, gnomAD 0.04%). This missense change has been observed in individual(s) with clinical features of USH2A-related conditions (PMID: 28945494; internal data). In at least one individual the data is consistent with being in trans (on the opposite chromosome) from a pathogenic variant. It has also been observed to segregate with disease in related individuals. ClinVar contains an entry for this variant (Variation ID: 855225). Invitae Evidence Modeling of protein sequence and biophysical properties (such as structural, functional, and spatial information, amino acid conservation, physicochemical variation, residue mobility, and thermodynamic stability) indicates that this missense variant is not expected to disrupt USH2A protein function with a negative predictive value of 95%. For these reasons, this variant has been classified as Pathogenic.

Women's Health and Genetics/Laboratory Corporation of America, LabCorp
Classification: Pathogenic for Usher syndrome. Last evaluated: 2024-09-10. Review status: criteria provided, single submitter. Criteria: LabCorp Variant Classification Summary - May 2015. Collection method: clinical testing. Allele origin: germline.
Comment: Variant summary: USH2A c.10820A>C (p.His3607Pro) results in a non-conservative amino acid change located in the Fibronectin type III domain (IPR003961) of the encoded protein sequence. Three of five in-silico tools predict a damaging effect of the variant on protein function. The variant allele was found at a frequency of 4.4e-05 in 251378 control chromosomes. This frequency is not significantly higher than estimated for a pathogenic variant in USH2A causing Usher Syndrome (4.4e-05 vs 0.011). c.10820A>C has been reported in the literature in the presumed compound heterozygous or compound heterozygous state in multiple individuals affected with clinical features of retinitis pigmentosa and/or Usher Syndrome (example, Villanueva_2018, Gupta_2023, Villafuerte_2024, Ordonez-Labastida_2023), including at least 1 family where it segregated with disease and was likely trans with a pathogenic variant. These data indicate that the variant is very likely to be associated with disease. To our knowledge, no experimental evidence demonstrating an impact on protein function has been reported. The following publications have been ascertained in the context of this evaluation (PMID: 37558662, 37287646, 28945494, 38347443). ClinVar contains an entry for this variant (Variation ID: 855225). Based on the evidence outlined above, the variant was classified as pathogenic.

Baylor Genetics
Classification: Likely pathogenic for Retinitis pigmentosa 39. Last evaluated: 2023-11-22. Review status: criteria provided, single submitter. Criteria: ACMG Guidelines, 2015. Collection method: clinical testing. Allele origin: unknown.

Genome-Nilou Lab
Classification: Likely pathogenic for Usher syndrome type 2A. Last evaluated: 2023-11-04. Review status: criteria provided, single submitter. Criteria: ACMG Guidelines, 2015. Collection method: clinical testing. Allele origin: germline. Affected: no.

Blueprint Genetics
Classification: Pathogenic for USH2A-related disorders. Last evaluated: 2022-04-01. Review status: criteria provided, single submitter. Criteria: ACMG Guidelines, 2015. Collection method: clinical testing. Allele origin: germline. Affected: yes. Observed: 4 variant alleles.

Literature cited by the submitters: PubMed 28945494 (cited by 4 submitters); PubMed 38347443 (cited by Natera, Inc. and Women's Health and Genetics/Laboratory Corporation of America, LabCorp); PubMed 37558662 (cited by Women's Health and Genetics/Laboratory Corporation of America, LabCorp); PubMed 37287646 (cited by Women's Health and Genetics/Laboratory Corporation of America, LabCorp).

NM_206933.4(USH2A):c.10820A>C (p.His3607Pro)

Gene: USH2A (usherin; minus strand). Cytogenetic location: 1q41.
Variant type: single nucleotide variant.
Coding change: c.10820A>C on transcript NM_206933.4 (MANE Select); coding-DNA position 10820, A replaced by C.
Protein change: p.His3607Pro; replaces histidine 3607 with proline.
Molecular consequence: missense variant.
Genome position (GRCh38, 1-based): chr1:215,779,962, T>G on the plus strand (A>C on the coding strand, the complement: USH2A is on the minus strand). VCF-style: chr1-215779962-T-G. GRCh37 (hg19) VCF-style: chr1-215953304-T-G.
Other names: short protein forms H3607P.
Identifiers: ClinVar variation 855225 (VCV000855225.21), dbSNP rs750321557, ClinGen allele CA1393914.
Genomic context (GRCh38, chr1:215,779,962, plus strand): 5'-TGCCTGATCTGGTACTCTTTAATGACGCCGTTTGATTTCTCAGGGACACTCCAGCTCAGA[T>G]GCAGAGCCACTGCACTTAGGGCTGTGATGCTTGGTGGCAGGATGCTCTCCGGAACTCCTT-3'
Protein context (NP_996816.3, residues 3597-3617): SITALSAVAL[His3607Pro]LSWSVPEKSN